The following is an entry in ClinVar:

ClinVar aggregate classification (germline): Likely benign. Review status: criteria provided, single submitter (1 of 4 stars). 2 submissions from 2 submitters: Likely benign (1). 1 of the submissions does not count toward it. Last evaluated 2022-04-14.

Conditions:
Joubert syndrome. Also called: CEREBELLOPARENCHYMAL DISORDER IV; JOUBERT-BOLTSHAUSER SYNDROME; Familial aplasia of the vermis. Identifiers: Orphanet 475, MedGen C5979921, MONDO:0018772.
Nephronophthisis. Also called: Juvenile Nephronophthisis. Identifiers: Orphanet 655, MedGen C0687120, MONDO:0019005, HP:0000090.
Meckel-Gruber syndrome. Also called: DYSENCEPHALIA SPLANCHNOCYSTICA; GRUBER SYNDROME; Dysencephalia splachnocystica. Identifiers: Orphanet 564, MedGen C0265215, MONDO:0018921.
CEP290-related disorder. Also called: CEP290-related disorders; CEP290-related condition. Identifiers: MedGen CN239314.

Allele frequency attached by ClinVar (database versions not stated): gnomAD exomes 0.00002; ExAC 0.00006; ESP Exome Variant Server 0.00009.

Submissions (2):

Labcorp Genetics (formerly Invitae), Labcorp
Classification: Likely benign for Joubert syndrome; Meckel-Gruber syndrome; Nephronophthisis. Last evaluated: 2022-04-14. Review status: criteria provided, single submitter. Criteria: Invitae Variant Classification Sherloc (09022015). Collection method: clinical testing. Allele origin: germline.

PreventionGenetics, part of Exact Sciences
Classification: Likely benign for CEP290-related condition. Last evaluated: 2024-08-07. Review status: no assertion criteria provided. Collection method: clinical testing. Allele origin: germline. Not counted in ClinVar's aggregate classification.
Comment: This variant is classified as likely benign based on ACMG/AMP sequence variant interpretation guidelines (Richards et al. 2015 PMID: 25741868, with internal and published modifications).

NM_025114.4(CEP290):c.4123T>C (p.Leu1375=)

Gene: CEP290 (centrosomal protein 290; minus strand). Cytogenetic location: 12q21.32.
Variant type: single nucleotide variant.
Coding change: c.4123T>C on transcript NM_025114.4 (MANE Select); coding-DNA position 4123, T replaced by C.
Protein change: p.Leu1375=; no amino-acid change (leucine 1375 retained).
Molecular consequence: synonymous variant.
Genome position (GRCh38, 1-based): chr12:88,087,851, A>G on the plus strand (T>C on the coding strand, the complement: CEP290 is on the minus strand). VCF-style: chr12-88087851-A-G. GRCh37 (hg19) VCF-style: chr12-88481628-A-G.
Other names: c.4123T>C (NM_025114.3).
Identifiers: ClinVar variation 1092677 (VCV001092677.10), dbSNP rs368322148, ClinGen allele CA6712024.